The following is an entry in ClinVar:

NM_004304.5(ALK):c.3777_3787del (p.Cys1259fs)

Gene: ALK (ALK receptor tyrosine kinase; minus strand). Cytogenetic location: 2p23.2.
Variant type: Deletion.
Coding change: c.3777_3787del on transcript NM_004304.5 (MANE Select); coding-DNA positions 3777 to 3787, 11 bases deleted (TCCAGGCCCTG).
Protein change: p.Cys1259fs; shifts the reading frame from cysteine 1259.
Molecular consequence: frameshift variant.
Genome position (GRCh38, 1-based): chr2:29,209,835-29,209,845, CAGGGCCTGGA deleted on the plus strand (TCCAGGCCCTG on the coding strand, the reverse complement: ALK is on the minus strand); deleting any 11 consecutive bases within chr2:29,209,835-29,209,849 gives the same sequence; the c. name uses the placement nearest the transcript's 3' end. VCF-style (leftmost placement, unchanged base first): chr2-29209834-CCAGGGCCTGGA-C. GRCh37 (hg19) VCF-style: chr2-29432700-CCAGGGCCTGGA-C.
Other names: c.573_583del, p.Cys191fs (NM_001353765.2); short protein forms C191fs, C1259fs.
Identifiers: ClinVar variation 4729087 (VCV004729087.1).
Genomic context (GRCh38, chr2:29,209,834, plus strand): 5'-GTCTTTACTCACCTGTAGATGTCTCGGGCCATCCCGAAGTCTCCAATCTTGGCCACTCTT[CCAGGGCCTGGA>C]CAGGTCAAGAGGCAGTTTCTGGCAGCAATGTCTCTGGGAAGAAAGGAAATGCATTTCCTA-3'

ClinVar aggregate classification (germline): Uncertain significance (1 of 4 stars; one submission).

Conditions:
Neuroblastoma, susceptibility to, 3. Also called: ALK-Related Neuroblastic Tumor Susceptibility. Identifiers: Orphanet 635, MedGen C2751681, MONDO:0013083, OMIM 613014.

Submission:

Labcorp Genetics (formerly Invitae), Labcorp
Classification: Uncertain significance for Neuroblastoma, susceptibility to, 3. Last evaluated: 2025-10-23. Review status: criteria provided, single submitter. Criteria: Invitae Variant Classification Sherloc (09022015). Collection method: clinical testing. Allele origin: germline.
Comment: This sequence change creates a premature translational stop signal (p.Cys1259Trpfs*22) in the ALK gene. It is expected to result in an absent or disrupted protein product. However, the current clinical and genetic evidence is not sufficient to establish whether loss-of-function variants in ALK cause disease. This variant is not present in population databases (gnomAD no frequency). This variant has not been reported in the literature in individuals affected with ALK-related conditions. In summary, the available evidence is currently insufficient to determine the role of this variant in disease. Therefore, it has been classified as a Variant of Uncertain Significance.